The following is an entry in ClinVar:

NM_004408.4(DNM1):c.1423-1G>T

Gene: DNM1 (dynamin 1; plus strand). Cytogenetic location: 9q34.11.
Variant type: single nucleotide variant.
Coding change: c.1423-1G>T on transcript NM_004408.4 (MANE Select); the canonical splice acceptor site of the intron before coding-DNA position 1423, G replaced by T.
Molecular consequence: splice acceptor variant.
Genome position (GRCh38, 1-based): chr9:128,239,444, G>T. VCF-style: chr9-128239444-G-T. GRCh37 (hg19) VCF-style: chr9-131001723-G-T.
Other names: c.1423-1G>T (NM_001005336.3, NM_001374269.1, NM_001288738.2 and 2 more transcripts).
Identifiers: ClinVar variation 3654237 (VCV003654237.2).
Genomic context (GRCh38, chr9:128,239,444, plus strand): 5'-CTGCATTTTAAAACTTTGTGGTGTCTTTTGCGCTTGCCCACCAACCTATGTATCCTTGAA[G>T]GTCATGCTTCTCATCGATATCGAGCTGGCTTACATGAACACCAACCATGAGGACTTCATA-3'

ClinVar aggregate classification (germline): Likely pathogenic (1 of 4 stars; one submission).

Conditions:
Developmental and epileptic encephalopathy, 31A. Also called: Epileptic encephalopathy, early infantile, 31; Developmental and epileptic encephalopathy, 31. Identifiers: Orphanet 2382, MedGen C4225357, MONDO:0014598, OMIM 616346.

Submission:

Labcorp Genetics (formerly Invitae), Labcorp
Classification: Likely pathogenic for Developmental and epileptic encephalopathy, 31A. Last evaluated: 2024-05-22. Review status: criteria provided, single submitter. Criteria: Invitae Variant Classification Sherloc (09022015). Collection method: clinical testing. Allele origin: germline.
Comment: This sequence change affects an acceptor splice site in intron 11 of the DNM1 gene. It is expected to disrupt RNA splicing. Variants that disrupt the donor or acceptor splice site typically lead to a loss of protein function (PMID: 16199547), and loss-of-function variants in DNM1 are known to be pathogenic (PMID: 34172529). This variant is not present in population databases (gnomAD no frequency). This variant has not been reported in the literature in individuals affected with DNM1-related conditions. Algorithms developed to predict the effect of sequence changes on RNA splicing suggest that this variant may disrupt the consensus splice site. In summary, the currently available evidence indicates that the variant is pathogenic, but additional data are needed to prove that conclusively. Therefore, this variant has been classified as Likely Pathogenic.

Literature cited by the submitters: PubMed 16199547; PubMed 34172529.